The following is an entry in ClinVar:

ClinVar aggregate classification (germline): Uncertain significance (1 of 4 stars; one submission).

Conditions:
Cardiovascular phenotype. Identifiers: MedGen CN230736.

Submission:

Ambry Genetics
Classification: Uncertain significance for Cardiovascular phenotype. Last evaluated: 2023-01-01. Review status: criteria provided, single submitter. Criteria: Ambry Variant Classification Scheme 2023. Collection method: clinical testing. Allele origin: germline.
Comment: The p.G1905S variant (also known as c.5713G>A), located in coding exon 14 of the ALPK3 gene, results from a G to A substitution at nucleotide position 5713. The glycine at codon 1905 is replaced by serine, an amino acid with similar properties. This amino acid position is conserved. In addition, this alteration is predicted to be tolerated by in silico analysis. Since supporting evidence is limited at this time, the clinical significance of this alteration remains unclear.

NM_020778.5(ALPK3):c.5107G>A (p.Gly1703Ser)

Gene: ALPK3 (alpha kinase 3; plus strand). Cytogenetic location: 15q25.3.
Variant type: single nucleotide variant.
Coding change: c.5107G>A on transcript NM_020778.5 (MANE Select); coding-DNA position 5107, G replaced by A.
Protein change: p.Gly1703Ser; replaces glycine 1703 with serine.
Molecular consequence: missense variant.
Genome position (GRCh38, 1-based): chr15:84,868,445, G>A. VCF-style: chr15-84868445-G-A. GRCh37 (hg19) VCF-style: chr15-85411676-G-A.
Other names: short protein forms G1703S.
Identifiers: ClinVar variation 2449105 (VCV002449105.2), dbSNP rs2505733918, ClinGen allele CA393366527.